The following is an entry in ClinVar:

ClinVar aggregate classification (germline): Uncertain significance (1 of 4 stars; one submission).

Allele frequency attached by ClinVar (database versions not stated): ExAC 0.00001.
gnomAD v4.1: 1 of 1,614,224 alleles (0.000062%); no homozygotes.

Submission:

Labcorp Genetics (formerly Invitae), Labcorp
Classification: Uncertain significance. Last evaluated: 2022-10-20. Review status: criteria provided, single submitter. Criteria: Invitae Variant Classification Sherloc (09022015). Collection method: clinical testing. Allele origin: germline.
Comment: This variant has not been reported in the literature in individuals affected with KANK1-related conditions. This variant is present in population databases (rs774543854, gnomAD 0.0009%). This sequence change replaces glutamic acid, which is acidic and polar, with glutamine, which is neutral and polar, at codon 391 of the KANK1 protein (p.Glu391Gln). Advanced modeling of protein sequence and biophysical properties (such as structural, functional, and spatial information, amino acid conservation, physicochemical variation, residue mobility, and thermodynamic stability) performed at Invitae indicates that this missense variant is not expected to disrupt KANK1 protein function. In summary, the available evidence is currently insufficient to determine the role of this variant in disease. Therefore, it has been classified as a Variant of Uncertain Significance.

NM_015158.5(KANK1):c.1171G>C (p.Glu391Gln)

Gene: KANK1 (KN motif and ankyrin repeat domains 1; plus strand). Cytogenetic location: 9p24.3.
Variant type: single nucleotide variant.
Coding change: c.1171G>C on transcript NM_015158.5 (MANE Select); coding-DNA position 1171, G replaced by C.
Protein change: p.Glu391Gln; replaces glutamic acid 391 with glutamine.
Molecular consequence: missense variant. On other transcripts: non-coding transcript variant (1).
Genome position (GRCh38, 1-based): chr9:711,937, G>C. VCF-style: chr9-711937-G-C. GRCh37 (hg19) VCF-style: chr9-711937-G-C.
Other names: c.1171G>C, p.Glu391Gln (NM_001256876.3, NM_001256877.3, NM_001354331.2 and 2 more transcripts); c.697G>C, p.Glu233Gln (NM_001354333.2, NM_001354335.2, NM_001354336.2 and 9 more transcripts); short protein forms E233Q, E391Q.
Identifiers: ClinVar variation 1721348 (VCV001721348.5), dbSNP rs774543854, ClinGen allele CA4960143.